The following is an entry in ClinVar:

ClinVar aggregate classification (germline): Likely pathogenic (1 of 4 stars; one submission).

Conditions:
Congenital hyperammonemia, type I. Also called: Carbamoyl phosphate synthetase I deficiency disease; CPS I DEFICIENCY; Carbamoyl phosphate synthetase 1 deficiency; Hyperammonemia due to carbamoyl phosphate synthetase 1 deficiency; CPS 1 deficiency; Carbamyl phosphate synthetase (CPS) deficiency. Identifiers: Orphanet 147, MedGen C4082171, MONDO:0009376, OMIM 237300.

Submission:

Natera, Inc.
Classification: Likely pathogenic for Carbamoyl-phosphate synthase I deficiency. Last evaluated: 2025-11-10. Review status: criteria provided, single submitter. Criteria: Natera Variant Classification Schema (03/2026). Collection method: clinical testing. Allele origin: germline.
Comment: The c.1982-2A>T variant in CPS1 is a canonical splice acceptor site variant predicted to affect pre-mRNA splicing, which may result in an abnormal transcript and altered protein product. This variant is expected to result in nonsense mediated decay, truncation, or a dysfunctional protein product. This variant is rare in the general population with a frequency below the threshold expected for the associated phenotype(s). Given the available evidence, this variant is classified as Likely Pathogenic.

NM_001875.5(CPS1):c.1982-2A>T

Gene: CPS1 (carbamoyl-phosphate synthase 1; plus strand). Cytogenetic location: 2q34.
Variant type: single nucleotide variant.
Coding change: c.1982-2A>T on transcript NM_001875.5 (MANE Select); the canonical splice acceptor site of the intron before coding-DNA position 1982, A replaced by T.
Molecular consequence: splice acceptor variant.
Genome position (GRCh38, 1-based): chr2:210,606,729, A>T. VCF-style: chr2-210606729-A-T. GRCh37 (hg19) VCF-style: chr2-211471453-A-T.
Other names: c.1982-2A>T (NM_001369257.1, NM_001122633.3); c.2015-2A>T (NM_001369256.1).
Identifiers: ClinVar variation 4814949 (VCV004814949.1).
Genomic context (GRCh38, chr2:210,606,729, plus strand): 5'-AAGTCGCTGAAGTTGGTTATTTCAATATGCCACCAAGTAATGAGTGCTTCTTGGATATAT[A>T]GGTGACTCAGTTGTTGTGGCTCCTGCCCAGACACTCTCCAATGCCGAGTTTCAGATGTTG-3'